The following is an entry in ClinVar:

NM_012200.4(B3GAT3):c.106C>A (p.Pro36Thr)

Gene: B3GAT3 (beta-1,3-glucuronyltransferase 3; minus strand). Cytogenetic location: 11q12.3.
Variant type: single nucleotide variant.
Coding change: c.106C>A on transcript NM_012200.4 (MANE Select); coding-DNA position 106, C replaced by A.
Protein change: p.Pro36Thr; replaces proline 36 with threonine.
Molecular consequence: missense variant. On other transcripts: non-coding transcript variant (1).
Genome position (GRCh38, 1-based): chr11:62,620,648, G>T on the plus strand (C>A on the coding strand, the complement: B3GAT3 is on the minus strand). VCF-style: chr11-62620648-G-T. GRCh37 (hg19) VCF-style: chr11-62388120-G-T.
Other names: c.85C>A, p.Pro29Thr (NM_001288721.2); c.106C>A, p.Pro36Thr (NM_001288722.2, NM_001288723.2); short protein forms P36T, P29T.
Identifiers: ClinVar variation 1397498 (VCV001397498.8), dbSNP rs375817456, ClinGen allele CA380981236.

ClinVar aggregate classification (germline): Uncertain significance (1 of 4 stars; one submission).

Conditions:
Larsen-like syndrome, B3GAT3 type. Also called: Multiple joint dislocations, short stature, craniofacial dysmorphism, with or without congenital heart defects; MULTIPLE JOINT DISLOCATIONS, SHORT STATURE, AND CRANIOFACIAL DYSMORPHISM WITH OR WITHOUT CONGENITAL HEART DEFECTS. Identifiers: Orphanet 284139, MedGen CN034159, MONDO:0009511, OMIM 245600.

Allele frequency attached by ClinVar (database versions not stated): gnomAD exomes below 0.00001.
gnomAD v4.1: 11 of 1,611,976 alleles (0.00068%); highest among the groups gnomAD compares: African/African-American, 0.0067%; no homozygotes.

Submission:

Labcorp Genetics (formerly Invitae), Labcorp
Classification: Uncertain significance for Larsen-like syndrome, B3GAT3 type. Last evaluated: 2023-07-17. Review status: criteria provided, single submitter. Criteria: Invitae Variant Classification Sherloc (09022015). Collection method: clinical testing. Allele origin: germline.
Comment: Algorithms developed to predict the effect of missense changes on protein structure and function output the following: SIFT: "Not Available"; PolyPhen-2: "Benign"; Align-GVGD: "Not Available". The threonine amino acid residue is found in multiple mammalian species, which suggests that this missense change does not adversely affect protein function. This sequence change replaces proline, which is neutral and non-polar, with threonine, which is neutral and polar, at codon 36 of the B3GAT3 protein (p.Pro36Thr). This variant is present in population databases (no rsID available, gnomAD 0.007%). This variant has not been reported in the literature in individuals affected with B3GAT3-related conditions. ClinVar contains an entry for this variant (Variation ID: 1397498). Algorithms developed to predict the effect of sequence changes on RNA splicing suggest that this variant may disrupt the consensus splice site. In summary, the available evidence is currently insufficient to determine the role of this variant in disease. Therefore, it has been classified as a Variant of Uncertain Significance.